The following is an entry in ClinVar:

NM_000243.3(MEFV):c.1268T>G (p.Ile423Ser)

Gene: MEFV (MEFV innate immunity regulator, pyrin; minus strand). Cytogenetic location: 16p13.3.
Variant type: single nucleotide variant.
Coding change: c.1268T>G on transcript NM_000243.3 (MANE Select); coding-DNA position 1268, T replaced by G.
Protein change: p.Ile423Ser; replaces isoleucine 423 with serine.
Molecular consequence: missense variant.
Genome position (GRCh38, 1-based): chr16:3,248,997, A>C on the plus strand (T>G on the coding strand, the complement: MEFV is on the minus strand). VCF-style: chr16-3248997-A-C. GRCh37 (hg19) VCF-style: chr16-3298997-A-C.
Other names: c.635T>G, p.Ile212Ser (NM_001198536.2); short protein forms I423S, I212S.
Identifiers: ClinVar variation 2145083 (VCV002145083.4), dbSNP rs751508536, ClinGen allele CA7860190.

ClinVar aggregate classification (germline): Uncertain significance (1 of 4 stars; one submission).

Conditions:
Familial Mediterranean fever (FMF). Also called: POLYSEROSITIS, FAMILIAL PAROXYSMAL; POLYSEROSITIS, RECURRENT; Periodic peritonitis; Benign paroxysmal peritonitis. Identifiers: Orphanet 342, MedGen C0031069, MONDO:0018088, OMIM 249100. Disease mechanism: gain of function.

Allele frequency attached by ClinVar (database versions not stated): gnomAD exomes below 0.00001; ExAC 0.00001.
gnomAD v4.1: 8 of 1,613,990 alleles (0.0005%); highest among the groups gnomAD compares: Non-Finnish European, 0.00059%; no homozygotes.

Submission:

Labcorp Genetics (formerly Invitae), Labcorp
Classification: Uncertain significance for Familial Mediterranean fever. Last evaluated: 2022-08-27. Review status: criteria provided, single submitter. Criteria: Invitae Variant Classification Sherloc (09022015). Collection method: clinical testing. Allele origin: germline.
Comment: This variant has not been reported in the literature in individuals affected with MEFV-related conditions. This sequence change replaces isoleucine, which is neutral and non-polar, with serine, which is neutral and polar, at codon 423 of the MEFV protein (p.Ile423Ser). This variant is present in population databases (rs751508536, gnomAD 0.0009%). Algorithms developed to predict the effect of missense changes on protein structure and function (SIFT, PolyPhen-2, Align-GVGD) all suggest that this variant is likely to be disruptive. In summary, the available evidence is currently insufficient to determine the role of this variant in disease. Therefore, it has been classified as a Variant of Uncertain Significance.